The following is an entry in ClinVar:

ClinVar aggregate classification (germline): Conflicting classifications of pathogenicity. Review status: criteria provided, conflicting classifications (1 of 4 stars). 3 submissions from 3 submitters: Uncertain significance (1); Likely benign (1). 1 of the submissions does not count toward it. Last evaluated 2026-01-05.

Conditions:
JAK3-related disorder. Also called: JAK3-related condition.
T-B+ severe combined immunodeficiency due to JAK3 deficiency. Also called: SCID, autosomal recessive, T-negative/B-positive type; SCID, T CELL-NEGATIVE, B CELL-POSITIVE, NK CELL-NEGATIVE. Identifiers: Orphanet 35078, MedGen C1833275, MONDO:0010938, OMIM 600802.
Inborn genetic diseases. Identifiers: MedGen C0950123, MeSH D030342.

Allele frequency attached by ClinVar (database versions not stated): ExAC 0.00001; gnomAD exomes 0.00001 and 0.00002; gnomAD 0.00006; TOPMed 0.00009.
gnomAD v4.1: 23 of 1,611,676 alleles (0.0014%); highest among the groups gnomAD compares: African/African-American, 0.021%; no homozygotes.

Submissions (3):

Labcorp Genetics (formerly Invitae), Labcorp
Classification: Likely benign for T-B+ severe combined immunodeficiency due to JAK3 deficiency. Last evaluated: 2026-01-05. Review status: criteria provided, single submitter. Criteria: Invitae Variant Classification Sherloc (09022015). Collection method: clinical testing. Allele origin: germline.

Ambry Genetics
Classification: Uncertain significance for Inborn genetic diseases. Last evaluated: 2024-10-07. Review status: criteria provided, single submitter. Criteria: Ambry Variant Classification Scheme 2023. Collection method: clinical testing. Allele origin: germline.

PreventionGenetics, part of Exact Sciences
Classification: Uncertain significance for JAK3-related condition. Last evaluated: 2024-02-29. Review status: no assertion criteria provided. Collection method: clinical testing. Allele origin: germline. Not counted in ClinVar's aggregate classification.
Comment: The JAK3 c.2756C>T variant is predicted to result in the amino acid substitution p.Ala919Val. To our knowledge, this variant has not been reported in the literature. This variant is reported in 0.026% of alleles in individuals of African descent in gnomAD. At this time, the clinical significance of this variant is uncertain due to the absence of conclusive functional and genetic evidence.

NM_000215.4(JAK3):c.2756C>T (p.Ala919Val)

Gene: JAK3 (Janus kinase 3; minus strand). Cytogenetic location: 19p13.11.
Variant type: single nucleotide variant.
Coding change: c.2756C>T on transcript NM_000215.4 (MANE Select); coding-DNA position 2756, C replaced by T.
Protein change: p.Ala919Val; replaces alanine 919 with valine.
Molecular consequence: missense variant.
Genome position (GRCh38, 1-based): chr19:17,831,723, G>A on the plus strand (C>T on the coding strand, the complement: JAK3 is on the minus strand). VCF-style: chr19-17831723-G-A. GRCh37 (hg19) VCF-style: chr19-17942532-G-A.
Other names: short protein forms A919V.
Identifiers: ClinVar variation 565744 (VCV000565744.13), dbSNP rs767424476, ClinGen allele CA9301519.
Genomic context (GRCh38, chr19:17,831,723, plus strand): 5'-CCCCCTCGCACCTTGCAGATCTGCGAGGAATAGAGAAGGAGGCGGCTGGCATCGAGGCGC[G>A]CGCGGTGCCGCTGCAGGAAGTCGCGCAAGCAGCCGCTGGGCAGGTACTCCATGACCAGCC-3'
Protein context (NP_000206.2, residues 909-929): CLRDFLQRHR[Ala919Val]RLDASRLLLY